The following is an entry in ClinVar:

Conditions:
Breast-ovarian cancer, familial, susceptibility to, 1 (BROVCA1). Also called: BRCA1 Hereditary Breast and Ovarian Cancer; OVARIAN CANCER, SUSCEPTIBILITY TO. Identifiers: Orphanet 145, MedGen C2676676, MONDO:0011450, OMIM 604370. Disease mechanism: loss of function.

Submission:

Brotman Baty Institute, University of Washington
No classification provided (evidence only). Condition: Breast-ovarian cancer, familial 1. Review status: no classification provided. Collection method: in vitro. Allele origin: not applicable. Functional consequence: functionally_normal.
ClinVar note: "not provided" was previously submitted as the classification for the variant. However, the classification appeared to be based only on an observation of functional data so it was converted to no classification on 2025-07-30.

NM_007294.4(BRCA1):c.4983A>C (p.Glu1661Asp)

Gene: BRCA1 (BRCA1 DNA repair associated; minus strand). Cytogenetic location: 17q21.31.
Variant type: single nucleotide variant.
Coding change: c.4983A>C on transcript NM_007294.4 (MANE Select); coding-DNA position 4983, A replaced by C.
Protein change: p.Glu1661Asp; replaces glutamic acid 1661 with aspartic acid.
Molecular consequence: missense variant. On other transcripts: non-coding transcript variant (1).
Genome position (GRCh38, 1-based): chr17:43,070,931, T>G on the plus strand (A>C on the coding strand, the complement: BRCA1 is on the minus strand). VCF-style: chr17-43070931-T-G. GRCh37 (hg19) VCF-style: chr17-41222948-T-G.
Other names: c.1143A>C, p.Glu381Asp (NM_001408513.1); c.4842A>C, p.Glu1614Asp (NM_007297.4, NM_001407728.1, NM_001407729.1 and 13 more transcripts); c.1671A>C, p.Glu557Asp (NM_007298.4, NM_007299.4, NM_007304.2 and 13 more transcripts); c.5046A>C, p.Glu1682Asp (NM_007300.4, NM_001407583.1, NM_001407585.1 and 1 more transcripts); c.4770A>C, p.Glu1590Asp (NM_001407571.1, NM_001407894.1, NM_001407895.1 and 12 more transcripts); c.5049A>C, p.Glu1683Asp (NM_001407581.1, NM_001407582.1); c.5043A>C, p.Glu1681Asp (NM_001407590.1, NM_001407591.1); c.4983A>C, p.Glu1661Asp (NM_001407593.1, NM_001407594.1, NM_001407596.1 and 8 more transcripts); and 70 more; short protein forms E1614D, E1682D, E557D, E1661D, E1365D, E1548D, E1549D, E1572D.
Identifiers: ClinVar variation 865483 (VCV000865483.3), dbSNP rs2052354666, ClinGen allele CA10591559.